The following is an entry in ClinVar:

NM_015046.7(SETX):c.3491G>T (p.Arg1164Leu)

Gene: SETX (senataxin; minus strand). Cytogenetic location: 9q34.13.
Variant type: single nucleotide variant.
Coding change: c.3491G>T on transcript NM_015046.7 (MANE Select); coding-DNA position 3491, G replaced by T.
Protein change: p.Arg1164Leu; replaces arginine 1164 with leucine.
Molecular consequence: missense variant.
Genome position (GRCh38, 1-based): chr9:132,328,107, C>A on the plus strand (G>T on the coding strand, the complement: SETX is on the minus strand). VCF-style: chr9-132328107-C-A. GRCh37 (hg19) VCF-style: chr9-135203494-C-A.
Other names: c.3491G>T, p.Arg1164Leu (NM_001351527.2, NM_001351528.2); short protein forms R1164L.
Identifiers: ClinVar variation 1731943 (VCV001731943.2), dbSNP rs369264209, ClinGen allele CA375330270.

ClinVar aggregate classification (germline): Uncertain significance (1 of 4 stars; one submission).

Conditions:
Inborn genetic diseases. Identifiers: MedGen C0950123, MeSH D030342.

gnomAD v4.1: 2 of 1,613,912 alleles (0.00012%); highest among the groups gnomAD compares: Admixed American, 0.0017%; no homozygotes.

Submission:

Ambry Genetics
Classification: Uncertain significance for Inborn genetic diseases. Last evaluated: 2020-08-20. Review status: criteria provided, single submitter. Criteria: Ambry Variant Classification Scheme 2023. Collection method: clinical testing. Allele origin: germline.
Comment: The p.R1164L variant (also known as c.3491G>T), located in coding exon 8 of the SETX gene, results from a G to T substitution at nucleotide position 3491. The arginine at codon 1164 is replaced by leucine, an amino acid with dissimilar properties. This amino acid position is poorly conserved in available vertebrate species. In addition, this alteration is predicted to be tolerated by in silico analysis. Since supporting evidence is limited at this time, the clinical significance of this alteration remains unclear.